The following is an entry in ClinVar:

ClinVar aggregate classification (germline): Pathogenic (1 of 4 stars; one submission).

Submission:

Quest Diagnostics Nichols Institute San Juan Capistrano
Classification: Pathogenic. Last evaluated: 2022-01-21. Review status: criteria provided, single submitter. Criteria: ACMG/ClinGen CNV Guidelines, 2019. Collection method: clinical testing. Allele origin: unknown.
Comment: This duplication is consistent with the recurrent proximal 22q11.21 (LCR A-B) duplication including TBX1 gene. Duplications of this region have been associated with a highly variable clinical phenotype ranging from apparently normal to expression a broad range of clinical features, including nonspecific phenotypes (intellectual disability, learning disability, developmental delays, autism, psychiatric disorders, growth delays, hypotonia) as well as phenotypes that overlap clinical findings of DiGeorge/velocardiofacial syndromes (DGS/VCFS). Further, these duplications are frequently inherited from unaffected parents, demonstrating incomplete penetrance (Nguyen et al. Clin Case Rep. 2017 Feb 11;5(3):351-356.PMID: 28265405; Wenger et al. Mol Autism. 2016 May 6;7:27. PMID:27158440; Van Camperhout, et al. 2012. Genet. Couns. 23:135-148;PMID: 22876571; Gene Reviews).

GRCh37/hg19 22q11.21(chr22:18648867-20311858)x3

Genes: ARVCF (ARVCF delta catenin family member; minus strand), C22orf39 (chromosome 22 open reading frame 39; minus strand), CDC45 (cell division cycle 45; plus strand), CLDN5 (claudin 5; minus strand), CLTCL1 (clathrin heavy chain like 1; minus strand) and 25 more. Cytogenetic location: 22q11.21.
Variant type: copy number gain.
Change: copy number 3 (three copies instead of two) of chr22:18,648,867-20,311,858 (1.66 Mb, GRCh37 coordinates, 1-based), cytogenetic band 22q11.21.
Identifiers: ClinVar variation 1808077 (VCV001808077.1).